The following is an entry in ClinVar:

NM_005751.5(AKAP9):c.6104G>A (p.Ser2035Asn)

Gene: AKAP9 (A-kinase anchoring protein 9; plus strand). Cytogenetic location: 7q21.2.
Variant type: single nucleotide variant.
Coding change: c.6104G>A on transcript NM_005751.5 (MANE Select); coding-DNA position 6104, G replaced by A.
Protein change: p.Ser2035Asn; replaces serine 2035 with asparagine.
Molecular consequence: missense variant.
Genome position (GRCh38, 1-based): chr7:92,065,357, G>A. VCF-style: chr7-92065357-G-A. GRCh37 (hg19) VCF-style: chr7-91694671-G-A.
Other names: c.749G>A, p.Ser250Asn (NM_001379277.1); c.6104G>A, p.Ser2035Asn (NM_147185.3); short protein forms S2035N, S250N.
Identifiers: ClinVar variation 861334 (VCV000861334.9), dbSNP rs1810600383, ClinGen allele CA368132592.
Genomic context (GRCh38, chr7:92,065,357, plus strand): 5'-TACGTGATGACCTTCAAAAACAAGTGAAAGCTCTAGAAATAGATGTGGAAGAACAAGTCA[G>A]TAGGTTTATAGAGCTGGAACAAGAAAAAAATACTGAACTAATGGATTTAAGACAGCAAAA-3'
Protein context (NP_005742.4, residues 2025-2045): ALEIDVEEQV[Ser2035Asn]RFIELEQEKN

ClinVar aggregate classification (germline): Uncertain significance (1 of 4 stars; one submission).

Conditions:
Long QT syndrome (LQTS). Identifiers: MedGen C0023976, MeSH D008133, MONDO:0002442. Disease mechanism: loss of function. Inheritance: Various modes of inheritance.

Submission:

Labcorp Genetics (formerly Invitae), Labcorp
Classification: Uncertain significance for Long QT syndrome. Last evaluated: 2019-11-21. Review status: criteria provided, single submitter. Criteria: Invitae Variant Classification Sherloc (09022015). Collection method: clinical testing. Allele origin: germline.
Comment: In summary, the available evidence is currently insufficient to determine the role of this variant in disease. Therefore, it has been classified as a Variant of Uncertain Significance. Algorithms developed to predict the effect of missense changes on protein structure and function are either unavailable or do not agree on the potential impact of this missense change (SIFT: "Deleterious"; PolyPhen-2: "Benign"; Align-GVGD: "Class C0"). This variant has not been reported in the literature in individuals with AKAP9-related conditions. This sequence change replaces serine with asparagine at codon 2035 of the AKAP9 protein (p.Ser2035Asn). The serine residue is highly conserved and there is a small physicochemical difference between serine and asparagine. This variant is not present in population databases (ExAC no frequency).